The following is an entry in ClinVar:

NM_000322.5(PRPH2):c.621C>T (p.Asp207=)

Gene: PRPH2 (peripherin 2; minus strand). Cytogenetic location: 6p21.1.
Variant type: single nucleotide variant.
Coding change: c.621C>T on transcript NM_000322.5 (MANE Select); coding-DNA position 621, C replaced by T.
Protein change: p.Asp207=; no amino-acid change (aspartic acid 207 retained).
Molecular consequence: synonymous variant.
Genome position (GRCh38, 1-based): chr6:42,704,572, G>A on the plus strand (C>T on the coding strand, the complement: PRPH2 is on the minus strand). VCF-style: chr6-42704572-G-A. GRCh37 (hg19) VCF-style: chr6-42672310-G-A.
Identifiers: ClinVar variation 708714 (VCV000708714.9), dbSNP rs1265234802, ClinGen allele CA450362413.
Genomic context (GRCh38, chr6:42,704,572, plus strand): 5'-GATCTGATACTGGATGCAGGGCCGTGGCGAGCTAGGATTGCAGCAGCTGAAAGGGACGCC[G>A]TCCACCAGGTACCGCCCATCCACGTTGCTCTTGATTCGACTTAAAGGGAAACAGACAGCT-3'
Protein context (NP_000313.2, residues 197-217): KSNVDGRYLV[Asp207=]GVPFSCCNPS

ClinVar aggregate classification (germline): Likely benign. Review status: criteria provided, single submitter (1 of 4 stars). 2 submissions from 2 submitters: Likely benign (1). 1 of the submissions does not count toward it. Last evaluated 2025-03-17.

Conditions:
PRPH2-related disorder. Also called: PRPH2-related condition; PRPH2-related disorders. Identifiers: MedGen CN239395.

Allele frequency attached by ClinVar (database versions not stated): gnomAD exomes below 0.00001; gnomAD 0.00001; TOPMed 0.00001.
gnomAD v4.1: 8 of 1,614,052 alleles (0.0005%); highest among the groups gnomAD compares: Admixed American, 0.0017%; no homozygotes.

Submissions (2):

Labcorp Genetics (formerly Invitae), Labcorp
Classification: Likely benign for PRPH2-related disorder. Last evaluated: 2025-03-17. Review status: criteria provided, single submitter. Criteria: Invitae Variant Classification Sherloc (09022015). Collection method: clinical testing. Allele origin: germline.

PreventionGenetics, part of Exact Sciences
Classification: Likely benign for PRPH2-related condition. Last evaluated: 2024-08-29. Review status: no assertion criteria provided. Collection method: clinical testing. Allele origin: germline. Not counted in ClinVar's aggregate classification.
Comment: This variant is classified as likely benign based on ACMG/AMP sequence variant interpretation guidelines (Richards et al. 2015 PMID: 25741868, with internal and published modifications).